The following is an entry in ClinVar:

ClinVar aggregate classification (germline): Uncertain significance (1 of 4 stars; one submission).

Conditions:
Arrhythmogenic right ventricular dysplasia 5. Also called: Arrhythmogenic Right Ventricular Dysplasia/Cardiomyopathy 5; ARRHYTHMOGENIC RIGHT VENTRICULAR DYSPLASIA, FAMILIAL, 5. Identifiers: MedGen C1858379, MONDO:0011459, OMIM 604400.

Submission:

Labcorp Genetics (formerly Invitae), Labcorp
Classification: Uncertain significance for Arrhythmogenic right ventricular dysplasia 5. Last evaluated: 2022-03-14. Review status: criteria provided, single submitter. Criteria: Invitae Variant Classification Sherloc (09022015). Collection method: clinical testing. Allele origin: germline.
Comment: Algorithms developed to predict the effect of missense changes on protein structure and function are either unavailable or do not agree on the potential impact of this missense change (SIFT: "Deleterious"; PolyPhen-2: "Probably Damaging"; Align-GVGD: "Class C0"). This variant has not been reported in the literature in individuals affected with TMEM43-related conditions. This variant is not present in population databases (gnomAD no frequency). This sequence change replaces tryptophan, which is neutral and slightly polar, with arginine, which is basic and polar, at codon 309 of the TMEM43 protein (p.Trp309Arg). In summary, the available evidence is currently insufficient to determine the role of this variant in disease. Therefore, it has been classified as a Variant of Uncertain Significance.

NM_024334.3(TMEM43):c.925T>C (p.Trp309Arg)

Gene: TMEM43 (transmembrane protein 43; plus strand). Cytogenetic location: 3p25.1.
Variant type: single nucleotide variant.
Coding change: c.925T>C on transcript NM_024334.3 (MANE Select); coding-DNA position 925, T replaced by C.
Protein change: p.Trp309Arg; replaces tryptophan 309 with arginine.
Molecular consequence: missense variant.
Genome position (GRCh38, 1-based): chr3:14,139,222, T>C. VCF-style: chr3-14139222-T-C. GRCh37 (hg19) VCF-style: chr3-14180722-T-C.
Other names: c.928T>C, p.Trp310Arg (NM_001407274.1); c.922T>C, p.Trp308Arg (NM_001407275.1, NM_001407276.1); c.919T>C, p.Trp307Arg (NM_001407277.1); c.910T>C, p.Trp304Arg (NM_001407278.1); c.850T>C, p.Trp284Arg (NM_001407279.1); c.775T>C, p.Trp259Arg (NM_001407280.1); short protein forms W259R, W310R, W309R, W284R, W304R, W307R, W308R.
Identifiers: ClinVar variation 2112133 (VCV002112133.4), dbSNP rs1355405109, ClinGen allele CA351536169.